The following is an entry in ClinVar:

NM_000489.6(ATRX):c.2515A>G (p.Lys839Glu)

Gene: ATRX (ATRX chromatin remodeler; minus strand). Cytogenetic location: Xq21.1.
Variant type: single nucleotide variant.
Coding change: c.2515A>G on transcript NM_000489.6 (MANE Select); coding-DNA position 2515, A replaced by G.
Protein change: p.Lys839Glu; replaces lysine 839 with glutamic acid.
Molecular consequence: missense variant.
Genome position (GRCh38, 1-based): chrX:77,682,741, T>C on the plus strand (A>G on the coding strand, the complement: ATRX is on the minus strand). VCF-style: chrX-77682741-T-C. GRCh37 (hg19) VCF-style: chrX-76938233-T-C.
Other names: c.2401A>G, p.Lys801Glu (NM_138270.5); short protein forms K801E, K839E.
Identifiers: ClinVar variation 3008592 (VCV003008592.3), dbSNP rs2148595605, ClinGen allele CA413712020.
Genomic context (GRCh38, chrX:77,682,741, plus strand): 5'-CTTTTTTGCTGTGTTTCTCATCTTCAGAAGAGTCAAAATCTTTTGTATTTGGAATTCTTT[T>C]TTTGGTGGTTCTGGCAGCACCAATTTTACTCATGCTCTTTATCTCTTTTTCTAATTCTGA-3'
Protein context (NP_000480.3, residues 829-849): SKIGAARTTK[Lys839Glu]RIPNTKDFDS

ClinVar aggregate classification (germline): Uncertain significance (1 of 4 stars; one submission).

Conditions:
Alpha thalassemia-X-linked intellectual disability syndrome (ATRX). Also called: ALPHA-THALASSEMIA/MENTAL RETARDATION SYNDROME, X-LINKED; ATR, NONDELETION TYPE; ATR-X syndrome; Alpha thalassemia mental retardation syndrome, nondeletion type, X-linked; XLMR hypotonic face syndrome; X-linked alpha-thalassemia-mental retardation syndrome. Identifiers: Orphanet 847, MedGen C1845055, MONDO:0010519, OMIM 301040.

Submission:

Labcorp Genetics (formerly Invitae), Labcorp
Classification: Uncertain significance for Alpha thalassemia-X-linked intellectual disability syndrome. Last evaluated: 2023-04-25. Review status: criteria provided, single submitter. Criteria: Invitae Variant Classification Sherloc (09022015). Collection method: clinical testing. Allele origin: germline.
Comment: In summary, the available evidence is currently insufficient to determine the role of this variant in disease. Therefore, it has been classified as a Variant of Uncertain Significance. Advanced modeling of protein sequence and biophysical properties (such as structural, functional, and spatial information, amino acid conservation, physicochemical variation, residue mobility, and thermodynamic stability) performed at Invitae indicates that this missense variant is not expected to disrupt ATRX protein function. This variant has not been reported in the literature in individuals affected with ATRX-related conditions. This variant is not present in population databases (gnomAD no frequency). This sequence change replaces lysine, which is basic and polar, with glutamic acid, which is acidic and polar, at codon 839 of the ATRX protein (p.Lys839Glu).